The following is an entry in ClinVar:

NM_206933.4(USH2A):c.5459T>C (p.Met1820Thr)

Genes: USH2A (usherin; minus strand), USH2A-AS2 (USH2A antisense RNA 2; plus strand). Cytogenetic location: 1q41.
Variant type: single nucleotide variant.
Coding change: c.5459T>C on transcript NM_206933.4 (MANE Select); coding-DNA position 5459, T replaced by C.
Protein change: p.Met1820Thr; replaces methionine 1820 with threonine.
Molecular consequence: missense variant.
Genome position (GRCh38, 1-based): chr1:216,078,202, A>G on the plus strand (T>C on the coding strand, the complement: USH2A is on the minus strand). VCF-style: chr1-216078202-A-G. GRCh37 (hg19) VCF-style: chr1-216251544-A-G.
Other names: c.5459T>C (NM_206933.2); short protein forms M1820T.
Identifiers: ClinVar variation 1093405 (VCV001093405.9), dbSNP rs201643378, ClinGen allele CA1395446.
Genomic context (GRCh38, chr1:216,078,202, plus strand): 5'-CCCACATAAACTGGTGAATTCACCACCAGTGGCTGGTCTCCGGACTCCGATGCATGCTTC[A>G]TCAGTCCATTCACACTTGCTGATATGAAAGAGCCTTCCTTTTTAATAATGACTTTATTCC-3'
Protein context (NP_996816.3, residues 1810-1830): SFISASVNGL[Met1820Thr]KHASESGDQP

ClinVar aggregate classification (germline): Conflicting classifications of pathogenicity. Review status: criteria provided, conflicting classifications (1 of 4 stars). 3 submissions from 3 submitters: Uncertain significance (1); Likely benign (2). Last evaluated 2025-12-22.

Conditions:
Retinal dystrophy. Also called: Inherited retinal dystrophy. Identifiers: Orphanet 71862, MedGen C0854723, MeSH D058499, MONDO:0019118, HP:0000556.
USH2A-related disorder. Also called: USH2A-related disorders; USH2A-related condition. Identifiers: MedGen CN239332.

Allele frequency attached by ClinVar (database versions not stated): 1000 Genomes Project 30x 0.00016.

Submissions (3):

Labcorp Genetics (formerly Invitae), Labcorp
Classification: Likely benign. Last evaluated: 2025-12-22. Review status: criteria provided, single submitter. Criteria: Invitae Variant Classification Sherloc (09022015). Collection method: clinical testing. Allele origin: germline.

PreventionGenetics, part of Exact Sciences
Classification: Uncertain significance for USH2A-related condition. Last evaluated: 2025-09-30. Review status: criteria provided, single submitter. Criteria: ACMG Guidelines, 2015. Collection method: clinical testing. Allele origin: germline.
Comment: The USH2A c.5459T>C variant is predicted to result in the amino acid substitution p.Met1820Thr. To our knowledge, this variant has not been reported in the literature. This variant is reported in 0.076% of alleles in individuals of East Asian descent in gnomAD. Although we suspect that this variant may be benign, at this time, the clinical significance of this variant is uncertain due to the absence of conclusive functional and genetic evidence.

Dept Of Ophthalmology, Nagoya University
Classification: Likely benign for Retinal dystrophy. Last evaluated: 2023-10-01. Review status: criteria provided, single submitter. Criteria: Submitter's publication. Collection method: research. Allele origin: germline. Affected: yes.